The following is an entry in ClinVar:

NM_000038.6(APC):c.6053dup (p.Val2019fs)

Gene: APC (APC regulator of Wnt signaling pathway; plus strand). Cytogenetic location: 5q22.2.
Variant type: Duplication.
Coding change: c.6053dup on transcript NM_000038.6 (MANE Select); coding-DNA position 6053, one base duplicated (C; older notation c.6053dupC).
Protein change: p.Val2019fs; shifts the reading frame from valine 2019.
Molecular consequence: frameshift variant. On other transcripts: non-coding transcript variant (2).
Genome position (GRCh38, 1-based): chr5:112,841,647, C duplicated; the last of 4 consecutive C bases (chr5:112,841,644-112,841,647); duplicating any one gives the same sequence. VCF-style (leftmost placement, unchanged base first): chr5-112841643-A-AC. GRCh37 (hg19) VCF-style: chr5-112177340-A-AC.
Other names: c.5804dup, p.Val1936fs (NM_001407454.1, NM_001407455.1, NM_001407456.1 and 1 more transcripts); c.5750dup, p.Val1918fs (NM_001407458.1, NM_001407459.1, NM_001407460.1 and 1 more transcripts); c.5666dup, p.Val1890fs (NM_001407467.1, NM_001407469.1); c.5204dup, p.Val1736fs (NM_001407470.1, NM_001354906.2); c.4901dup, p.Val1635fs (NM_001407471.1, NM_001407472.1); c.6107dup, p.Val2037fs (NM_001407449.1, NM_001354896.2, NM_001407447.1 and 1 more transcripts); c.6053dup, p.Val2019fs (NM_001407450.1, NM_001127510.3, NM_001354895.2); c.5999dup, p.Val2001fs (NM_001127511.3); and 11 more; short protein forms V1936fs, V2001fs, V2029fs, V1859fs, V2012fs, V2047fs, V1890fs, V1978fs.
Identifiers: ClinVar variation 4837769 (VCV004837769.1).

ClinVar aggregate classification (germline): Likely pathogenic (1 of 4 stars; one submission).

Conditions:
Hereditary cancer-predisposing syndrome. Also called: Neoplastic Syndromes, Hereditary; Tumor predisposition; Hereditary Cancer Syndrome; Hereditary neoplastic syndrome. Identifiers: Orphanet 140162, MedGen C0027672, MeSH D009386, MONDO:0015356.

Submission:

Ambry Genetics
Classification: Likely pathogenic for Hereditary cancer-predisposing syndrome. Last evaluated: 2026-01-23. Review status: criteria provided, single submitter. Criteria: Ambry Variant Classification Scheme 2023. Collection method: clinical testing. Allele origin: germline.
Comment: The c.6053dupC variant, located in coding exon 15 of the APC gene, results from a duplication of C at nucleotide position 6053, causing a translational frameshift with a predicted alternate stop codon (p.V2019Sfs*13). This variant occurs at the 3' terminus of the gene, is not expected to trigger nonsense-mediated mRNA decay, and impacts the last 29% of the protein. However, premature stop codons are typically deleterious in nature and a significant portion of the protein is affected (Ambry internal data). This variant is considered to be rare based on population cohorts in the Genome Aggregation Database (gnomAD). Based on the majority of available evidence to date, this variant is likely to be pathogenic.